The following is an entry in ClinVar:

ClinVar aggregate classification (germline): Uncertain significance (1 of 4 stars; one submission).

Conditions:
SLC26A2-related disorder. Also called: SLC26A2-related condition; SLC26A2-related disorders. Identifiers: MedGen CN239404.

gnomAD v4.1: 1 of 1,604,870 alleles (0.000062%); highest among the groups gnomAD compares: Non-Finnish European, 0.000085%; no homozygotes.

Submission:

PreventionGenetics, part of Exact Sciences
Classification: Uncertain significance for SLC26A2-related condition. Last evaluated: 2026-02-15. Review status: criteria provided, single submitter. Criteria: ACMG Guidelines, 2015. Collection method: clinical testing. Allele origin: germline.
Comment: The SLC26A2 c.428C>T variant is predicted to result in the amino acid substitution p.Thr143Ile. To our knowledge, this variant has not been reported in the literature or in a large population database (gnomAD), indicating this variant is rare. Although we suspect that this variant may be pathogenic, at this time, the clinical significance of this variant is uncertain due to the absence of conclusive functional and genetic evidence.

NM_000112.4(SLC26A2):c.428C>T (p.Thr143Ile)

Gene: SLC26A2 (solute carrier family 26 member 2; plus strand). Cytogenetic location: 5q32.
Variant type: single nucleotide variant.
Coding change: c.428C>T on transcript NM_000112.4 (MANE Select); coding-DNA position 428, C replaced by T.
Protein change: p.Thr143Ile; replaces threonine 143 with isoleucine.
Molecular consequence: missense variant.
Genome position (GRCh38, 1-based): chr5:149,978,080, C>T. VCF-style: chr5-149978080-C-T. GRCh37 (hg19) VCF-style: chr5-149357643-C-T.
Other names: short protein forms T143I.
Identifiers: ClinVar variation 4986028 (VCV004986028.1).
Genomic context (GRCh38, chr5:149,978,080, plus strand): 5'-TGCCCCAGTCCATTGCTTATTCCCTGCTGGCTGGCCAAGAACCTGTCTATGGTCTGTACA[C>T]ATCTTTTTTTGCCAGCATCATTTATTTTCTCTTGGGTACCTCCCGTCACATCTCTGTGGG-3'
Protein context (NP_000103.2, residues 133-153): AGQEPVYGLY[Thr143Ile]SFFASIIYFL